The following is an entry in ClinVar:

NM_018646.6(TRPV6):c.241C>T (p.Gln81Ter)

Gene: TRPV6 (transient receptor potential cation channel subfamily V member 6; minus strand). Cytogenetic location: 7q34.
Variant type: single nucleotide variant.
Coding change: c.241C>T on transcript NM_018646.6 (MANE Select); coding-DNA position 241, C replaced by T.
Protein change: p.Gln81Ter; replaces glutamine 81 with a stop codon.
Molecular consequence: nonsense.
Genome position (GRCh38, 1-based): chr7:142,885,396, G>A on the plus strand (C>T on the coding strand, the complement: TRPV6 is on the minus strand). VCF-style: chr7-142885396-G-A. GRCh37 (hg19) VCF-style: chr7-142583141-G-A.
Other names: short protein forms Q81*.
Identifiers: ClinVar variation 4695106 (VCV004695106.1).

ClinVar aggregate classification (germline): Pathogenic (1 of 4 stars; one submission).

Submission:

Labcorp Genetics (formerly Invitae), Labcorp
Classification: Pathogenic. Last evaluated: 2025-11-19. Review status: criteria provided, single submitter. Criteria: Invitae Variant Classification Sherloc (09022015). Collection method: clinical testing. Allele origin: germline.
Comment: This sequence change creates a premature translational stop signal (p.Gln81*) in the TRPV6 gene. It is expected to result in an absent or disrupted protein product. Loss-of-function variants in TRPV6 are known to be pathogenic (PMID: 29861107, 30144375). This variant is not present in population databases (gnomAD no frequency). This variant has not been reported in the literature in individuals affected with TRPV6-related conditions. For these reasons, this variant has been classified as Pathogenic.

Literature cited by the submitters: PubMed 29861107; PubMed 30144375.